The following is an entry in ClinVar:

NM_000371.4(TTR):c.200+2T>C

Gene: TTR (transthyretin; plus strand). Cytogenetic location: 18q12.1.
Variant type: single nucleotide variant.
Coding change: c.200+2T>C on transcript NM_000371.4 (MANE Select); the canonical splice donor site of the intron after coding-DNA position 200, T replaced by C.
Molecular consequence: splice donor variant.
Genome position (GRCh38, 1-based): chr18:31,593,028, T>C. VCF-style: chr18-31593028-T-C. GRCh37 (hg19) VCF-style: chr18-29172991-T-C.
Identifiers: ClinVar variation 568078 (VCV000568078.7), dbSNP rs1567945737, ClinGen allele CA402156888.

ClinVar aggregate classification (germline): Uncertain significance (1 of 4 stars; one submission).

Conditions:
Amyloidosis, hereditary systemic 1 (AMYLD1). Also called: Hereditary oculoleptomeningeal amyloid angiopathy; Familial Transthyretin Amyloidosis; AMYLOID CARDIOMYOPATHY; Familial amyloid polyneuropathy; Transthyretin Amyloidosis; Hereditary Transthyretin Amyloidosis. Identifiers: Orphanet 85447, Orphanet 85451, MedGen C2751492, MONDO:0971004, OMIM 105210.

Submission:

Labcorp Genetics (formerly Invitae), Labcorp
Classification: Uncertain significance for Amyloidosis, hereditary systemic 1. Last evaluated: 2024-07-14. Review status: criteria provided, single submitter. Criteria: Invitae Variant Classification Sherloc (09022015). Collection method: clinical testing. Allele origin: germline.
Comment: This sequence change affects a donor splice site in intron 2 of the TTR gene. It is expected to disrupt RNA splicing. Variants that disrupt the donor or acceptor splice site typically lead to a loss of protein function (PMID: 16199547), however the current clinical and genetic evidence is not sufficient to establish whether loss-of-function variants in TTR cause disease. This variant is not present in population databases (gnomAD no frequency). This variant has not been reported in the literature in individuals affected with TTR-related conditions. ClinVar contains an entry for this variant (Variation ID: 568078). Algorithms developed to predict the effect of sequence changes on RNA splicing suggest that this variant may disrupt the consensus splice site. In summary, the available evidence is currently insufficient to determine the role of this variant in disease. Therefore, it has been classified as a Variant of Uncertain Significance.

Literature cited by the submitters: PubMed 16199547.